The following is an entry in ClinVar:

ClinVar aggregate classification (germline): Uncertain significance. Review status: criteria provided, multiple submitters, no conflicts (2 of 4 stars). 4 submissions from 4 submitters: Uncertain significance (4). Last evaluated 2025-01-03.

Conditions:
Hereditary cancer-predisposing syndrome. Also called: Tumor predisposition; Neoplastic Syndromes, Hereditary; Hereditary Cancer Syndrome; Hereditary neoplastic syndrome. Identifiers: Orphanet 140162, MedGen C0027672, MeSH D009386, MONDO:0015356.
Ataxia-telangiectasia syndrome (AT). Also called: ATAXIA-TELANGIECTASIA, COMPLEMENTATION GROUP A; ATAXIA-TELANGIECTASIA, FRESNO VARIANT; LOUIS-BAR SYNDROME; Ataxia telangiectasia (A-T); Cerebello-oculocutaneous telangiectasia; Immunodeficiency with ataxia telangiectasia. Identifiers: Orphanet 100, MedGen C0004135, MONDO:0008840, OMIM 208900.

Submissions (4):

Institute for Biomarker Research, Medical Diagnostic Laboratories, L.L.C.
Classification: Uncertain significance for Hereditary cancer-predisposing syndrome. Last evaluated: 2025-01-03. Review status: criteria provided, single submitter. Criteria: ACMG Guidelines, 2015. Collection method: clinical testing. Allele origin: germline.
Comment: The splice region variant NM_000051.4(ATM):c.73-3delC has not been reported previously as a pathogenic variant nor as a benign variant, to our knowledge. The c.73-3delC variant is novel (not in any individuals) in gnomAD. The c.73-3delC variant is novel (not in any individuals) in 1kG. The c.73-3delC variant is not predicted to disrupt the existing acceptor splice site 1bp upstream by 3 of 4 splice site algorithms. For these reasons, this variant has been classified as Uncertain Significance.

Labcorp Genetics (formerly Invitae), Labcorp
Classification: Uncertain significance for Ataxia-telangiectasia syndrome. Last evaluated: 2023-05-25. Review status: criteria provided, single submitter. Criteria: Invitae Variant Classification Sherloc (09022015). Collection method: clinical testing. Allele origin: germline.
Comment: In summary, the available evidence is currently insufficient to determine the role of this variant in disease. Therefore, it has been classified as a Variant of Uncertain Significance. Variants that disrupt the consensus splice site are a relatively common cause of aberrant splicing (PMID: 17576681, 9536098). Algorithms developed to predict the effect of sequence changes on RNA splicing suggest that this variant is not likely to affect RNA splicing. ClinVar contains an entry for this variant (Variation ID: 629036). This variant has not been reported in the literature in individuals affected with ATM-related conditions. This variant is not present in population databases (gnomAD no frequency). This sequence change falls in intron 2 of the ATM gene. It does not directly change the encoded amino acid sequence of the ATM protein. It affects a nucleotide within the consensus splice site.

Ambry Genetics
Classification: Uncertain significance for Hereditary cancer-predisposing syndrome. Last evaluated: 2022-06-16. Review status: criteria provided, single submitter. Criteria: Ambry Variant Classification Scheme 2023. Collection method: clinical testing. Allele origin: germline.
Comment: The c.73-3delC intronic variant, located in intron 1 of the ATM gene, results from a deletion of one nucleotide within intron 1 of the ATM gene. This nucleotide position is well conserved in available vertebrate species. In silico splice site analysis predicts that this alteration will not have any significant effect on splicing; however, direct evidence is insufficient at this time (Ambry internal data). Since supporting evidence is limited at this time, the clinical significance of this alteration remains unclear.

Color Diagnostics, LLC DBA Color Health
Classification: Uncertain significance for Hereditary cancer-predisposing syndrome. Last evaluated: 2018-08-14. Review status: criteria provided, single submitter. Criteria: ACMG Guidelines, 2015. Collection method: clinical testing. Allele origin: germline.

Literature cited by the submitters: PubMed 17576681 (cited by Labcorp Genetics (formerly Invitae), Labcorp); PubMed 9536098 (cited by Labcorp Genetics (formerly Invitae), Labcorp).

NM_000051.4(ATM):c.73-3del

Gene: ATM (ATM serine/threonine kinase; plus strand). Cytogenetic location: 11q22.3.
Variant type: Deletion.
Coding change: c.73-3del on transcript NM_000051.4 (MANE Select); 3 bases into the intron before coding-DNA position 73, one base deleted (C; older notation c.73-3delC).
Molecular consequence: intron variant.
Genome position (GRCh38, 1-based): chr11:108,227,773, C deleted. VCF-style (leftmost placement, unchanged base first): chr11-108227772-TC-T. GRCh37 (hg19) VCF-style: chr11-108098499-TC-T.
Other names: c.73-3delC (NM_000051.3, NM_000051.4); c.73-3del (NM_001351836.2, NM_001351834.2, NM_001351835.2).
Identifiers: ClinVar variation 629036 (VCV000629036.8), dbSNP rs1565344403, ClinGen allele CA913188366.